The following is an entry in ClinVar:

ClinVar aggregate classification (germline): Uncertain significance (1 of 4 stars; one submission).

Conditions:
Primary ciliary dyskinesia. Also called: Ciliary dyskinesia. Identifiers: Orphanet 244, MedGen C0008780, MONDO:0016575, HP:0012265.

Allele frequency attached by ClinVar (database versions not stated): ExAC 0.00006; gnomAD exomes 0.00008 and 0.00027; TOPMed 0.00011; gnomAD 0.00012; 1000 Genomes Project 30x 0.00016; 1000 Genomes Project 0.00020; ESP Exome Variant Server 0.00038.
gnomAD v4.1: 399 of 1,613,144 alleles (0.025%); highest among the groups gnomAD compares: Non-Finnish European, 0.033%; no homozygotes.

Submission:

Labcorp Genetics (formerly Invitae), Labcorp
Classification: Uncertain significance for Primary ciliary dyskinesia. Last evaluated: 2021-08-27. Review status: criteria provided, single submitter. Criteria: Invitae Variant Classification Sherloc (09022015). Collection method: clinical testing. Allele origin: germline.
Comment: This sequence change replaces methionine with isoleucine at codon 2682 of the DNAH8 protein (p.Met2682Ile). The methionine residue is highly conserved and there is a small physicochemical difference between methionine and isoleucine. This variant is present in population databases (rs145365277, ExAC 0.01%). This variant has not been reported in the literature in individuals affected with DNAH8-related conditions. ClinVar contains an entry for this variant (Variation ID: 407291). Algorithms developed to predict the effect of missense changes on protein structure and function are either unavailable or do not agree on the potential impact of this missense change (SIFT: "Deleterious"; PolyPhen-2: "Not Available"; Align-GVGD: "Class C0"). In summary, the available evidence is currently insufficient to determine the role of this variant in disease. Therefore, it has been classified as a Variant of Uncertain Significance.

NM_001206927.2(DNAH8):c.8046G>A (p.Met2682Ile)

Gene: DNAH8 (dynein axonemal heavy chain 8; plus strand). Cytogenetic location: 6p21.2.
Variant type: single nucleotide variant.
Coding change: c.8046G>A on transcript NM_001206927.2 (MANE Select); coding-DNA position 8046, G replaced by A.
Protein change: p.Met2682Ile; replaces methionine 2682 with isoleucine.
Molecular consequence: missense variant.
Genome position (GRCh38, 1-based): chr6:38,883,366, G>A. VCF-style: chr6-38883366-G-A. GRCh37 (hg19) VCF-style: chr6-38851142-G-A.
Other names: c.7395G>A, p.Met2465Ile (NM_001371.4); short protein forms M2682I, M2465I.
Identifiers: ClinVar variation 407291 (VCV000407291.16), dbSNP rs145365277, ClinGen allele CA3790078.
Genomic context (GRCh38, chr6:38,883,366, plus strand): 5'-TATCCTATGATTGCAGGCTGTTTTGCTCACAGGAGAGCAGGGAACTGCAAAAACTGTCAT[G>A]GTTAAGGCCTATTTGAAAAAATATGATCCTGAAGTACAGCTATCCAAAAGTCTAAACTTT-3'
Protein context (NP_001193856.1, residues 2672-2692): TGEQGTAKTV[Met2682Ile]VKAYLKKYDP